The following is an entry in ClinVar:

NM_001276270.2(MBD4):c.79G>A (p.Val27Ile)

Gene: MBD4 (methyl-CpG binding domain 4, DNA glycosylase; minus strand). Cytogenetic location: 3q21.3.
Variant type: single nucleotide variant.
Coding change: c.79G>A on transcript NM_001276270.2 (MANE Select); coding-DNA position 79, G replaced by A.
Protein change: p.Val27Ile; replaces valine 27 with isoleucine.
Molecular consequence: missense variant.
Genome position (GRCh38, 1-based): chr3:129,439,755, C>T on the plus strand (G>A on the coding strand, the complement: MBD4 is on the minus strand). VCF-style: chr3-129439755-C-T. GRCh37 (hg19) VCF-style: chr3-129158598-C-T.
Other names: c.79G>A, p.Val27Ile (NM_001276271.2, NM_001276272.2, NM_001276273.2 and 1 more transcripts); short protein forms V27I.
Identifiers: ClinVar variation 3638020 (VCV003638020.3).

ClinVar aggregate classification (germline): Conflicting classifications of pathogenicity. Review status: criteria provided, conflicting classifications (1 of 4 stars). 2 submissions from 2 submitters: Uncertain significance (1); Likely benign (1). Last evaluated 2026-05-12.

Conditions:
Inborn genetic diseases. Identifiers: MedGen C0950123, MeSH D030342.

gnomAD v4.1: 1 of 1,600,676 alleles (0.000062%); highest among the groups gnomAD compares: Non-Finnish European, 0.000085%; no homozygotes.

Submissions (2):

Ambry Genetics
Classification: Likely benign for Inborn genetic diseases. Last evaluated: 2026-05-12. Review status: criteria provided, single submitter. Criteria: Ambry Variant Classification Scheme 2023. Collection method: clinical testing. Allele origin: germline.

Labcorp Genetics (formerly Invitae), Labcorp
Classification: Uncertain significance. Last evaluated: 2024-07-16. Review status: criteria provided, single submitter. Criteria: Invitae Variant Classification Sherloc (09022015). Collection method: clinical testing. Allele origin: germline.
Comment: This sequence change replaces valine, which is neutral and non-polar, with isoleucine, which is neutral and non-polar, at codon 27 of the MBD4 protein (p.Val27Ile). This variant is not present in population databases (gnomAD no frequency). This variant has not been reported in the literature in individuals affected with MBD4-related conditions. An algorithm developed to predict the effect of missense changes on protein structure and function (PolyPhen-2) suggests that this variant is likely to be tolerated. In summary, the available evidence is currently insufficient to determine the role of this variant in disease. Therefore, it has been classified as a Variant of Uncertain Significance.